The following is an entry in ClinVar:

NM_001002295.2(GATA3):c.372C>A (p.His124Gln)

Gene: GATA3 (GATA binding protein 3; plus strand). Cytogenetic location: 10p14.
Variant type: single nucleotide variant.
Coding change: c.372C>A on transcript NM_001002295.2 (MANE Select); coding-DNA position 372, C replaced by A.
Protein change: p.His124Gln; replaces histidine 124 with glutamine.
Molecular consequence: missense variant.
Genome position (GRCh38, 1-based): chr10:8,058,435, C>A. VCF-style: chr10-8058435-C-A. GRCh37 (hg19) VCF-style: chr10-8100398-C-A.
Other names: c.372C>A, p.His124Gln (NM_002051.3); short protein forms H124Q.
Identifiers: ClinVar variation 3598243 (VCV003598243.3).

ClinVar aggregate classification (germline): Uncertain significance. Review status: criteria provided, multiple submitters, no conflicts (2 of 4 stars). 2 submissions from 2 submitters: Uncertain significance (2). Last evaluated 2024-05-09.

Conditions:
Hypoparathyroidism, deafness, renal disease syndrome (HDRS). Also called: HYPOPARATHYROIDISM, SENSORINEURAL DEAFNESS, AND RENAL DYSPLASIA SYNDROME. Identifiers: Orphanet 2237, MedGen C1840333, MONDO:0007797, OMIM 146255.

gnomAD v4.1: 2 of 1,612,662 alleles (0.00012%); highest among the groups gnomAD compares: Non-Finnish European, 0.00017%; no homozygotes.

Submissions (2):

Labcorp Genetics (formerly Invitae), Labcorp
Classification: Uncertain significance. Last evaluated: 2024-05-09. Review status: criteria provided, single submitter. Criteria: Invitae Variant Classification Sherloc (09022015). Collection method: clinical testing. Allele origin: germline.
Comment: This sequence change replaces histidine, which is basic and polar, with glutamine, which is neutral and polar, at codon 124 of the GATA3 protein (p.His124Gln). The frequency data for this variant in the population databases is considered unreliable, as metrics indicate poor data quality at this position in the gnomAD database. This variant has not been reported in the literature in individuals affected with GATA3-related conditions. An algorithm developed to predict the effect of missense changes on protein structure and function (PolyPhen-2) suggests that this variant is likely to be disruptive. In summary, the available evidence is currently insufficient to determine the role of this variant in disease. Therefore, it has been classified as a Variant of Uncertain Significance.

Fulgent Genetics
Classification: Uncertain significance for Hypoparathyroidism, deafness, renal disease syndrome. Last evaluated: 2023-12-29. Review status: criteria provided, single submitter. Criteria: ACMG Guidelines, 2015. Collection method: clinical testing. Allele origin: germline.